The following is an entry in ClinVar:

ClinVar aggregate classification (germline): Benign/Likely benign. Review status: criteria provided, multiple submitters, no conflicts (2 of 4 stars). 7 submissions from 7 submitters: Benign (1); Likely benign (6). Last evaluated 2026-07-01.

Conditions:
Inborn genetic diseases. Identifiers: MedGen C0950123, MeSH D030342.
Intellectual developmental disorder, autosomal dominant 1. Also called: Intellectual disability, autosomal dominant 1; MBD5 Haploinsufficiency. Identifiers: Orphanet 228402, MedGen C1969562, MONDO:0007974, OMIM 156200.

Allele frequency attached by ClinVar (database versions not stated): 1000 Genomes Project 30x 0.00016; 1000 Genomes Project 0.00020; TOPMed 0.00020; ExAC 0.00021; gnomAD 0.00037 and 0.00038; ESP Exome Variant Server 0.00046.
gnomAD v4.1: 684 of 1,613,906 alleles (0.042%); highest among the groups gnomAD compares: Non-Finnish European, 0.051%; no homozygotes.

Submissions (7):

CeGaT Center for Human Genetics Tuebingen
Classification: Likely benign. Last evaluated: 2026-07-01. Review status: criteria provided, single submitter. Criteria: CeGaT Center For Human Genetics Tuebingen Variant Classification Criteria Version 2. Collection method: clinical testing. Allele origin: germline. Affected: yes. Observed: 6 variant alleles.
Comment: MBD5: BP4, BS2

Labcorp Genetics (formerly Invitae), Labcorp
Classification: Likely benign for Intellectual developmental disorder, autosomal dominant 1. Last evaluated: 2026-01-21. Review status: criteria provided, single submitter. Criteria: Invitae Variant Classification Sherloc (09022015). Collection method: clinical testing. Allele origin: germline.

Blueprint Genetics
Classification: Likely benign. Last evaluated: 2024-10-30. Review status: criteria provided, single submitter. Criteria: ACMG Guidelines, 2015. Collection method: clinical testing. Allele origin: germline.

Athena Diagnostics
Classification: Likely benign. Last evaluated: 2018-07-05. Review status: criteria provided, single submitter. Criteria: Athena Diagnostics Criteria. Collection method: clinical testing. Allele origin: germline.

Ambry Genetics
Classification: Likely benign for Inborn genetic diseases. Last evaluated: 2016-07-21. Review status: criteria provided, single submitter. Criteria: Ambry Variant Classification Scheme 2023. Collection method: clinical testing. Allele origin: germline.

Genetic Services Laboratory, University of Chicago
Classification: Likely benign. Last evaluated: 2015-11-17. Review status: criteria provided, single submitter. Criteria: ACMG Guidelines, 2015. Collection method: clinical testing. Allele origin: germline. Affected: no.

GeneDx
Classification: Benign. Last evaluated: 2014-11-18. Review status: criteria provided, single submitter. Criteria: GeneDx Variant Classification (06012015). Collection method: clinical testing. Allele origin: germline. Affected: yes.
Comment: This variant is considered likely benign or benign based on one or more of the following criteria: it is a conservative change, it occurs at a poorly conserved position in the protein, it is predicted to be benign by multiple in silico algorithms, and/or has population frequency not consistent with disease.

NM_001378120.1(MBD5):c.4401C>T (p.Val1467=)

Gene: MBD5 (methyl-CpG binding domain protein 5; plus strand). Cytogenetic location: 2q23.1.
Variant type: single nucleotide variant.
Coding change: c.4401C>T on transcript NM_001378120.1 (MANE Select); coding-DNA position 4401, C replaced by T.
Protein change: p.Val1467=; no amino-acid change (valine 1467 retained).
Molecular consequence: synonymous variant.
Genome position (GRCh38, 1-based): chr2:148,490,033, C>T. VCF-style: chr2-148490033-C-T. GRCh37 (hg19) VCF-style: chr2-149247602-C-T.
Other names: p.V1234V:GTC>GTT; c.3702C>T, p.Val1234= (NM_018328.5).
Identifiers: ClinVar variation 206054 (VCV000206054.54), dbSNP rs144957555, ClinGen allele CA315765.